The following is an entry in ClinVar:

ClinVar aggregate classification (germline): Benign (0 of 4 stars; one submission).

Conditions:
MDN1-related disorder. Also called: MDN1-related condition.

Allele frequency attached by ClinVar (database versions not stated): 1000 Genomes Project 30x 0.00016; 1000 Genomes Project 0.00020; ESP Exome Variant Server 0.00092.

Submissions (2):

PreventionGenetics, part of Exact Sciences
Classification: Benign for MDN1-related condition. Last evaluated: 2019-07-29. Review status: no assertion criteria provided. Collection method: clinical testing. Allele origin: germline.
Comment: This variant is classified as benign based on ACMG/AMP sequence variant interpretation guidelines (Richards et al. 2015 PMID: 25741868, with internal and published modifications).

Dr. Peter K. Rogan Lab, Western University
No classification provided (evidence only). Condition: Nonpapillary renal cell carcinoma. Review status: no classification provided. Collection method: in vitro. Allele origin: not applicable. Functional consequence: retained intron. Not counted in ClinVar's aggregate classification.

NM_014611.3(MDN1):c.4572G>A (p.Gly1524=)

Gene: MDN1 (midasin AAA ATPase 1; minus strand). Cytogenetic location: 6q15.
Variant type: single nucleotide variant.
Coding change: c.4572G>A on transcript NM_014611.3 (MANE Select); coding-DNA position 4572, G replaced by A.
Protein change: p.Gly1524=; no amino-acid change (glycine 1524 retained).
Molecular consequence: synonymous variant.
Genome position (GRCh38, 1-based): chr6:89,740,255, C>T on the plus strand (G>A on the coding strand, the complement: MDN1 is on the minus strand). VCF-style: chr6-89740255-C-T. GRCh37 (hg19) VCF-style: chr6-90449974-C-T.
Other names: NC_000006.11:g.90449974C>T.
Identifiers: ClinVar variation 3034904 (VCV003034904.3), dbSNP rs142783184, ClinGen allele CA3925050.